The following is an entry in ClinVar:

ClinVar aggregate classification (germline): Benign. Review status: criteria provided, single submitter (1 of 4 stars). 2 submissions from 2 submitters: Benign (1). 1 of the submissions does not count toward it. Last evaluated 2026-01-22.

Conditions:
ITSN2-related disorder. Also called: ITSN2-related condition.

Allele frequency attached by ClinVar (database versions not stated): 1000 Genomes Project 30x 0.00359; 1000 Genomes Project 0.00379; ExAC 0.00437; gnomAD 0.00448; gnomAD exomes 0.00452; TOPMed 0.00460; ESP Exome Variant Server 0.00531.
gnomAD v4.1: 5,553 of 1,228,370 alleles (0.45%); highest among the groups gnomAD compares: Non-Finnish European, 0.55%; 21 homozygotes.

Submissions (2):

Labcorp Genetics (formerly Invitae), Labcorp
Classification: Benign. Last evaluated: 2026-01-22. Review status: criteria provided, single submitter. Criteria: Invitae Variant Classification Sherloc (09022015). Collection method: clinical testing. Allele origin: germline.

PreventionGenetics, part of Exact Sciences
Classification: Likely benign for ITSN2-related condition. Last evaluated: 2019-06-07. Review status: no assertion criteria provided. Collection method: clinical testing. Allele origin: germline. Not counted in ClinVar's aggregate classification.
Comment: This variant is classified as likely benign based on ACMG/AMP sequence variant interpretation guidelines (Richards et al. 2015 PMID: 25741868, with internal and published modifications).

NM_006277.3(ITSN2):c.1701C>T (p.Asn567=)

Gene: ITSN2 (intersectin 2; minus strand). Cytogenetic location: 2p23.3.
Variant type: single nucleotide variant.
Coding change: c.1701C>T on transcript NM_006277.3 (MANE Select); coding-DNA position 1701, C replaced by T.
Protein change: p.Asn567=; no amino-acid change (asparagine 567 retained).
Molecular consequence: synonymous variant.
Genome position (GRCh38, 1-based): chr2:24,293,710, G>A on the plus strand (C>T on the coding strand, the complement: ITSN2 is on the minus strand). VCF-style: chr2-24293710-G-A. GRCh37 (hg19) VCF-style: chr2-24516579-G-A.
Other names: c.1659C>T, p.Asn553= (NM_001348181.2, NM_001348184.2); c.1701C>T, p.Asn567= (NM_001348182.2, NM_001348183.2, NM_001348185.2 and 3 more transcripts); c.1701C>T (NM_006277.2).
Identifiers: ClinVar variation 2040805 (VCV002040805.6), dbSNP rs61754186, ClinGen allele CA1551414.